The following is an entry in ClinVar:

ClinVar aggregate classification (germline): Uncertain significance (1 of 4 stars; one submission).

Conditions:
Neurodevelopmental disorder. Identifiers: MedGen C1535926, MeSH D065886, MONDO:0700092.

Allele frequency attached by ClinVar (database versions not stated): gnomAD exomes below 0.00001; TOPMed 0.00001.
gnomAD v4.1: 2 of 1,613,930 alleles (0.00012%); highest among the groups gnomAD compares: Non-Finnish European, 0.000085%; no homozygotes.

Submission:

Victorian Clinical Genetics Services, Murdoch Childrens Research Institute
Classification: Uncertain significance for Neurodevelopmental disorder. Last evaluated: 2022-09-02. Review status: criteria provided, single submitter. Criteria: ACMG Guidelines, 2015. Collection method: clinical testing. Allele origin: germline. Inheritance: Autosomal dominant inheritance. Affected: yes.
Comment: Based on the classification scheme VCGS_Germline_v1.3.4, this variant is classified as VUS-3C. Following criteria are met: 0102 - Loss of function is a known mechanism of disease in this gene and is associated with neurodevelopmental disorder (MONDO#0700092), ZFHX4-related. (I) 0107 - This gene is associated with autosomal dominant disease. (I) 0200 - Variant is predicted to result in a missense amino acid change from proline to serine. (I) 0251 - This variant is heterozygous. (I) 0301 - Variant is absent from gnomAD (both v2 and v3). (SP) 0309 - An alternative amino acid change at the same position has been observed in gnomAD (v2) (1 heterozygote, 0 homozygotes). (I) 0504 - Same amino acid change has been observed in placental mammals. (SB) 0604 - Variant is not located in an established domain, motif, hotspot or informative constraint region. (I) 0705 - No comparable missense variants have previous evidence for pathogenicity. (I) 0807 - This variant has no previous evidence of pathogenicity. (I) 0905 - No published segregation evidence has been identified for this variant. (I) 1007 - No published functional evidence has been identified for this variant. (I) 1208 - Inheritance information for this variant is not currently available in this individual. (I) Legend: (SP) - Supporting pathogenic, (I) - Information, (SB) - Supporting benign

NM_024721.5(ZFHX4):c.118C>T (p.Pro40Ser)

Gene: ZFHX4 (zinc finger homeobox 4; plus strand). Cytogenetic location: 8q21.13.
Variant type: single nucleotide variant.
Coding change: c.118C>T on transcript NM_024721.5 (MANE Select); coding-DNA position 118, C replaced by T.
Protein change: p.Pro40Ser; replaces proline 40 with serine.
Molecular consequence: missense variant.
Genome position (GRCh38, 1-based): chr8:76,704,206, C>T. VCF-style: chr8-76704206-C-T. GRCh37 (hg19) VCF-style: chr8-77616441-C-T.
Other names: c.118C>T, p.Pro40Ser (NM_001410934.1); short protein forms P40S.
Identifiers: ClinVar variation 1805977 (VCV001805977.2), dbSNP rs1808179909, ClinGen allele CA371502696.